The following is an entry in ClinVar:

NM_004281.4(BAG3):c.283C>G (p.Pro95Ala)

Gene: BAG3 (BAG cochaperone 3; plus strand). Cytogenetic location: 10q26.11.
Variant type: single nucleotide variant.
Coding change: c.283C>G on transcript NM_004281.4 (MANE Select); coding-DNA position 283, C replaced by G.
Protein change: p.Pro95Ala; replaces proline 95 with alanine.
Molecular consequence: missense variant.
Genome position (GRCh38, 1-based): chr10:119,669,953, C>G. VCF-style: chr10-119669953-C-G. GRCh37 (hg19) VCF-style: chr10-121429465-C-G.
Other names: short protein forms P95A.
Identifiers: ClinVar variation 162775 (VCV000162775.9), dbSNP rs727502898, ClinGen allele CA175285.
Genomic context (GRCh38, chr10:119,669,953, plus strand): 5'-AGGCTGCCGCCTGCTAGGGAAGGCCACCCTGTGTACCCCCAGCTCCGACCAGGCTACATT[C>G]CCATTCCTGTGCTCCATGAAGGCGCTGAGAACCGGCAGGTGCACCCTTTCCATGTCTATC-3'
Protein context (NP_004272.2, residues 85-105): VYPQLRPGYI[Pro95Ala]IPVLHEGAEN

ClinVar aggregate classification (germline): Uncertain significance. Review status: criteria provided, multiple submitters, no conflicts (2 of 4 stars). 3 submissions from 3 submitters: Uncertain significance (3). Last evaluated 2026-05-14.

Conditions:
Cardiovascular phenotype. Identifiers: MedGen CN230736.
Myofibrillar myopathy 6. Identifiers: Orphanet 199340, MedGen C2751831, MONDO:0013061, OMIM 612954.
Dilated cardiomyopathy 1HH (CMD1HH). Identifiers: Orphanet 154, MedGen C3151293, MONDO:0013479, OMIM 613881.

Allele frequency attached by ClinVar (database versions not stated): gnomAD 0.00001.
gnomAD v4.1: 1 of 1,614,144 alleles (0.000062%); highest among the groups gnomAD compares: African/African-American, 0.0013%; no homozygotes.

Submissions (3):

Ambry Genetics
Classification: Uncertain significance for Cardiovascular phenotype. Last evaluated: 2026-05-14. Review status: criteria provided, single submitter. Criteria: Ambry Variant Classification Scheme 2023. Collection method: clinical testing. Allele origin: germline.
Comment: The p.P95A variant (also known as c.283C>G), located in coding exon 2 of the BAG3 gene, results from a C to G substitution at nucleotide position 283. The proline at codon 95 is replaced by alanine, an amino acid with highly similar properties. This amino acid position is conserved. In addition, this alteration is predicted to be tolerated by in silico analysis. Based on the available evidence, the clinical significance of this variant remains unclear.

Labcorp Genetics (formerly Invitae), Labcorp
Classification: Uncertain significance for Dilated cardiomyopathy 1HH; Myofibrillar myopathy 6. Last evaluated: 2025-10-08. Review status: criteria provided, single submitter. Criteria: Invitae Variant Classification Sherloc (09022015). Collection method: clinical testing. Allele origin: germline.
Comment: This sequence change replaces proline, which is neutral and non-polar, with alanine, which is neutral and non-polar, at codon 95 of the BAG3 protein (p.Pro95Ala). This variant is present in population databases (rs727502898, gnomAD 0.01%). This variant has not been reported in the literature in individuals affected with BAG3-related conditions. ClinVar contains an entry for this variant (Variation ID: 162775). Invitae Evidence Modeling of protein sequence and biophysical properties (such as structural, functional, and spatial information, amino acid conservation, physicochemical variation, residue mobility, and thermodynamic stability) indicates that this missense variant is not expected to disrupt BAG3 protein function with a negative predictive value of 80%. In summary, the available evidence is currently insufficient to determine the role of this variant in disease. Therefore, it has been classified as a Variant of Uncertain Significance.

Laboratory for Molecular Medicine, Mass General Brigham Personalized Medicine
Classification: Uncertain significance. Last evaluated: 2013-08-11. Review status: criteria provided, single submitter. Criteria: LMM Criteria. Collection method: clinical testing. Allele origin: germline. Observed: 1 variant allele.
Comment: Variant classified as Uncertain Significance - Favor Benign. The Pro95Ala varian t in BAG3 has not been reported in individuals with cardiomyopathy or in large p opulation studies. Proline (Pro) at position 95 is conserved in most mammals and evolutionarily distant species, though several mammals (cat, dog, microbat) car ry an alanine (Ala, this variant), suggesting that this change may be tolerated. Additional computational analyses (biochemical amino acid properties, AlignGVGD , PolyPhen2, and SIFT) suggest that this variant may not impact the protein, tho ugh this information is not predictive enough to rule out pathogenicity. In summ ary, the presence of this variant in other mammals suggests that it is more like ly benign, but additional studies are needed to fully assess its clinical signif icance.